The following is an entry in ClinVar:

ClinVar aggregate classification (germline): Likely pathogenic (1 of 4 stars; one submission).

Conditions:
Werner syndrome (WRN). Identifiers: Orphanet 902, MedGen C0043119, MONDO:0010196, OMIM 277700.

Submission:

Women's Health and Genetics/Laboratory Corporation of America, LabCorp
Classification: Likely pathogenic for Werner syndrome. Last evaluated: 2022-02-23. Review status: criteria provided, single submitter. Criteria: LabCorp Variant Classification Summary - May 2015. Collection method: clinical testing. Allele origin: germline.
Comment: Variant summary: The variant identified by MLPA or other technology involves the deletion of exons 32-35 in the WRN gene. A presumed nomenclature of c.(3687+1_3688-1)_(*660_?)del has been designated for the purposes of this classification. Although exact breakpoints of this deletion are not known, it is expected to result in a stop loss in the WRN gene, a known mechanism of disease. The variant was absent in 21694 control chromosomes. To our knowledge, no occurrence of c.(3687+1_3688-1)_(*660_?)del in individuals affected with Werner Syndrome and no experimental evidence demonstrating its impact on protein function have been reported. No clinical diagnostic laboratories have submitted clinical-significance assessments for this variant to ClinVar after 2014. Based on the evidence outlined above, the variant was classified as likely pathogenic.

NC_000008.10:g.(31007972_31012139)_(31031278_?)del

Gene: WRN (WRN RecQ like helicase; plus strand). Cytogenetic location: 8p12.
Variant type: Deletion.
Identifiers: ClinVar variation 1343498 (VCV001343498.1).